The following is an entry in ClinVar:

NC_000014.8:g.(?_88391504)_88423173del

Gene: GALC (galactosylceramidase; minus strand).
Variant type: Deletion.
Identifiers: ClinVar variation 1070140 (VCV001070140.2).

ClinVar aggregate classification (germline): Pathogenic (1 of 4 stars; one submission).

Conditions:
Galactosylceramide beta-galactosidase deficiency. Also called: Krabbe Disease; Leukodystrophy, Globoid Cell; GALACTOCEREBROSIDASE DEFICIENCY; GALC DEFICIENCY; GLOBOID CELL LEUKOENCEPHALOPATHY. Identifiers: Orphanet 487, MedGen C0023521, MONDO:0009499, OMIM 245200.

Submission:

Labcorp Genetics (formerly Invitae), Labcorp
Classification: Pathogenic for Galactosylceramide beta-galactosidase deficiency. Last evaluated: 2020-03-29. Review status: criteria provided, single submitter. Criteria: Invitae Variant Classification Sherloc (09022015). Collection method: clinical testing. Allele origin: germline.
Comment: This variant is a gross deletion of the genomic region encompassing exons 11-17 of the GALC gene. While it is not anticipated to result in nonsense mediated decay, it is expected to create a truncated protein product or disrupt mRNA translation. Loss-of-function variants in GALC are known to be pathogenic. This particular variant is consistent with the well known 30kb deletion, which is the most common cause of Krabbe disease in the European population, found in more than 30% of affected individuals investigated and at a frequency of 0.2% in a sample of 2,330 control European individuals (PMID: 7581365, 22073273, 26795590). This variant has been associated with an increased risk for primary open-angle glaucoma, but the clinical relevance of this finding is unclear (PMID: 22073273). For these reasons, this variant has been classified as Pathogenic.

Literature cited by the submitters: PubMed 7581365; PubMed 22073273; PubMed 26795590.